The following is an entry in ClinVar:

NM_032119.4(ADGRV1):c.11226C>T (p.Ile3742=)

Gene: ADGRV1 (adhesion G protein-coupled receptor V1; plus strand). Cytogenetic location: 5q14.3.
Variant type: single nucleotide variant.
Coding change: c.11226C>T on transcript NM_032119.4 (MANE Select); coding-DNA position 11226, C replaced by T.
Protein change: p.Ile3742=; no amino-acid change (isoleucine 3742 retained).
Molecular consequence: synonymous variant. On other transcripts: non-coding transcript variant (1).
Genome position (GRCh38, 1-based): chr5:90,753,678, C>T. VCF-style: chr5-90753678-C-T. GRCh37 (hg19) VCF-style: chr5-90049495-C-T.
Identifiers: ClinVar variation 765600 (VCV000765600.8), dbSNP rs187575925, ClinGen allele CA3340930.

ClinVar aggregate classification (germline): Likely benign. Review status: criteria provided, multiple submitters, no conflicts (2 of 4 stars). 3 submissions from 3 submitters: Likely benign (3). Last evaluated 2026-03-17.

Conditions:
ADGRV1-related disorder. Also called: ADGRV1-related condition; ADGRV1-related disorders.

Allele frequency attached by ClinVar (database versions not stated): gnomAD exomes 0.00003 and 0.00006; gnomAD 0.00005; ExAC 0.00008; 1000 Genomes Project 30x 0.00016; 1000 Genomes Project 0.00020.
gnomAD v4.1: 51 of 1,613,672 alleles (0.0032%); highest among the groups gnomAD compares: Non-Finnish European, 0.00025%; no homozygotes.

Submissions (3):

PreventionGenetics, part of Exact Sciences
Classification: Likely benign for ADGRV1-related condition. Last evaluated: 2026-03-17. Review status: criteria provided, single submitter. Criteria: ACMG Guidelines, 2015. Collection method: clinical testing. Allele origin: germline.
Comment: This variant is classified as likely benign based on ACMG/AMP sequence variant interpretation guidelines (Richards et al. 2015 PMID: 25741868, with internal and published modifications).

Blueprint Genetics
Classification: Likely benign. Last evaluated: 2024-08-26. Review status: criteria provided, single submitter. Criteria: ACMG Guidelines, 2015. Collection method: clinical testing. Allele origin: germline.

Labcorp Genetics (formerly Invitae), Labcorp
Classification: Likely benign. Last evaluated: 2023-12-21. Review status: criteria provided, single submitter. Criteria: Invitae Variant Classification Sherloc (09022015). Collection method: clinical testing. Allele origin: germline.